The following is an entry in ClinVar:

ClinVar aggregate classification (germline): Uncertain significance (1 of 4 stars; one submission).

Conditions:
Neu-Laxova syndrome 2. Identifiers: Orphanet 2671, Orphanet 583602, MedGen C4015019, MONDO:0014466, OMIM 616038.

Allele frequency attached by ClinVar (database versions not stated): TOPMed below 0.00001; gnomAD exomes below 0.00001.
gnomAD v4.1: 2 of 1,613,330 alleles (0.00012%); highest among the groups gnomAD compares: Admixed American, 0.0033%; no homozygotes.

Submission:

Labcorp Genetics (formerly Invitae), Labcorp
Classification: Uncertain significance for Neu-Laxova syndrome 2. Last evaluated: 2022-07-26. Review status: criteria provided, single submitter. Criteria: Invitae Variant Classification Sherloc (09022015). Collection method: clinical testing. Allele origin: germline.
Comment: This sequence change falls in intron 6 of the PSAT1 gene. It does not directly change the encoded amino acid sequence of the PSAT1 protein. It affects a nucleotide within the consensus splice site. This variant is present in population databases (no rsID available, gnomAD 0.003%). This variant has not been reported in the literature in individuals affected with PSAT1-related conditions. ClinVar contains an entry for this variant (Variation ID: 1363166). Variants that disrupt the consensus splice site are a relatively common cause of aberrant splicing (PMID: 17576681, 9536098). Algorithms developed to predict the effect of sequence changes on RNA splicing suggest that this variant may disrupt the consensus splice site. In summary, the available evidence is currently insufficient to determine the role of this variant in disease. Therefore, it has been classified as a Variant of Uncertain Significance.

Literature cited by the submitters: PubMed 17576681; PubMed 9536098.

NM_058179.4(PSAT1):c.741-3T>A

Gene: PSAT1 (phosphoserine aminotransferase 1; plus strand). Cytogenetic location: 9q21.2.
Variant type: single nucleotide variant.
Coding change: c.741-3T>A on transcript NM_058179.4 (MANE Select); 3 bases into the intron before coding-DNA position 741, T replaced by A.
Molecular consequence: intron variant.
Genome position (GRCh38, 1-based): chr9:78,317,673, T>A. VCF-style: chr9-78317673-T-A. GRCh37 (hg19) VCF-style: chr9-80932589-T-A.
Other names: c.741-3T>A (NM_021154.5).
Identifiers: ClinVar variation 1363166 (VCV001363166.4), dbSNP rs1291018374, ClinGen allele CA588652512.